The following is an entry in ClinVar:

ClinVar aggregate classification (germline): Uncertain significance (1 of 4 stars; one submission).

Conditions:
Encephalopathy, acute, infection-induced (herpes-specific), susceptibility to, 1. Also called: Herpes simplex encephalitis, susceptibility to, 1. Identifiers: Orphanet 1930, MedGen C2750180, MONDO:0024563, OMIM 610551.

Submission:

Labcorp Genetics (formerly Invitae), Labcorp
Classification: Uncertain significance for Encephalopathy, acute, infection-induced (herpes-specific), susceptibility to, 1. Last evaluated: 2022-03-14. Review status: criteria provided, single submitter. Criteria: Invitae Variant Classification Sherloc (09022015). Collection method: clinical testing. Allele origin: germline.
Comment: This sequence change replaces glycine, which is neutral and non-polar, with alanine, which is neutral and non-polar, at codon 458 of the UNC93B1 protein (p.Gly458Ala). This variant is not present in population databases (gnomAD no frequency). This variant has not been reported in the literature in individuals affected with UNC93B1-related conditions. Experimental studies and prediction algorithms are not available or were not evaluated, and the functional significance of this variant is currently unknown. In summary, the available evidence is currently insufficient to determine the role of this variant in disease. Therefore, it has been classified as a Variant of Uncertain Significance.

NM_030930.4(UNC93B1):c.1373G>C (p.Gly458Ala)

Gene: UNC93B1 (unc-93B1 regulator of TLR signaling; minus strand). Cytogenetic location: 11q13.2.
Variant type: single nucleotide variant.
Coding change: c.1373G>C on transcript NM_030930.4 (MANE Select); coding-DNA position 1373, G replaced by C.
Protein change: p.Gly458Ala; replaces glycine 458 with alanine.
Molecular consequence: missense variant.
Genome position (GRCh38, 1-based): chr11:67,993,785, C>G on the plus strand (G>C on the coding strand, the complement: UNC93B1 is on the minus strand). VCF-style: chr11-67993785-C-G. GRCh37 (hg19) VCF-style: chr11-67761256-C-G.
Other names: short protein forms G458A.
Identifiers: ClinVar variation 2112203 (VCV002112203.4), dbSNP rs1856887625, ClinGen allele CA381569259.